The following is an entry in ClinVar:

NM_005732.4(RAD50):c.1880A>G (p.Asp627Gly)

Gene: RAD50 (RAD50 double strand break repair protein; plus strand). Cytogenetic location: 5q31.1.
Variant type: single nucleotide variant.
Coding change: c.1880A>G on transcript NM_005732.4 (MANE Select); coding-DNA position 1880, A replaced by G.
Protein change: p.Asp627Gly; replaces aspartic acid 627 with glycine.
Molecular consequence: missense variant.
Genome position (GRCh38, 1-based): chr5:132,594,955, A>G. VCF-style: chr5-132594955-A-G. GRCh37 (hg19) VCF-style: chr5-131930647-A-G.
Other names: short protein forms D627G.
Identifiers: ClinVar variation 581107 (VCV000581107.16), dbSNP rs1561642067, ClinGen allele CA360947959.

ClinVar aggregate classification (germline): Uncertain significance. Review status: criteria provided, multiple submitters, no conflicts (2 of 4 stars). 2 submissions from 2 submitters: Uncertain significance (2). Last evaluated 2025-03-02.

Conditions:
Hereditary cancer-predisposing syndrome. Also called: Neoplastic Syndromes, Hereditary; Tumor predisposition; Hereditary neoplastic syndrome; Hereditary Cancer Syndrome. Identifiers: Orphanet 140162, MedGen C0027672, MeSH D009386, MONDO:0015356.

Allele frequency attached by ClinVar (database versions not stated): gnomAD exomes below 0.00001; TOPMed 0.00001.
gnomAD v4.1: 1 of 1,611,712 alleles (0.000062%); highest among the groups gnomAD compares: African/African-American, 0.0013%; no homozygotes.

Submissions (2):

Ambry Genetics
Classification: Uncertain significance for Hereditary cancer-predisposing syndrome. Last evaluated: 2025-03-02. Review status: criteria provided, single submitter. Criteria: Ambry Variant Classification Scheme 2023. Collection method: clinical testing. Allele origin: germline.
Comment: The p.D627G variant (also known as c.1880A>G), located in coding exon 12 of the RAD50 gene, results from an A to G substitution at nucleotide position 1880. The aspartic acid at codon 627 is replaced by glycine, an amino acid with similar properties. This amino acid position is not well conserved in available vertebrate species. In addition, this alteration is predicted to be tolerated by in silico analysis. Since supporting evidence is limited at this time, the clinical significance of this alteration remains unclear.

Labcorp Genetics (formerly Invitae), Labcorp
Classification: Uncertain significance for Hereditary cancer-predisposing syndrome. Last evaluated: 2021-07-31. Review status: criteria provided, single submitter. Criteria: Invitae Variant Classification Sherloc (09022015). Collection method: clinical testing. Allele origin: germline.
Comment: In summary, the available evidence is currently insufficient to determine the role of this variant in disease. Therefore, it has been classified as a Variant of Uncertain Significance. Algorithms developed to predict the effect of missense changes on protein structure and function are either unavailable or do not agree on the potential impact of this missense change (SIFT: "Deleterious"; PolyPhen-2: "Benign"; Align-GVGD: "Class C0"). This variant has not been reported in the literature in individuals with RAD50-related conditions. ClinVar contains an entry for this variant (Variation ID: 581107). This variant is not present in population databases (ExAC no frequency). This sequence change replaces aspartic acid with glycine at codon 627 of the RAD50 protein (p.Asp627Gly). The aspartic acid residue is moderately conserved and there is a moderate physicochemical difference between aspartic acid and glycine.